The following is an entry in ClinVar:

ClinVar aggregate classification (germline): Uncertain significance. Review status: criteria provided, multiple submitters, no conflicts (2 of 4 stars). 4 submissions from 4 submitters: Uncertain significance (4). Last evaluated 2025-09-07.

Conditions:
Cardiovascular phenotype. Identifiers: MedGen CN230736.
Cardiomyopathy (CMYO). Also called: Cardiomyopathies. Identifiers: Orphanet 167848, MedGen C0878544, MONDO:0004994, HP:0001638. Inheritance: Various modes of inheritance.
Hypertrophic cardiomyopathy. Also called: HYPERTROPHIC MYOCARDIOPATHY. Identifiers: Orphanet 217569, MedGen C0007194, MeSH D002312, MONDO:0005045, HP:0001639.

Allele frequency attached by ClinVar (database versions not stated): gnomAD exomes below 0.00001; ExAC 0.00001.
gnomAD v4.1: 3 of 1,610,302 alleles (0.00019%); highest among the groups gnomAD compares: Non-Finnish European, 0.00025%; no homozygotes.

Submissions (4):

Ambry Genetics
Classification: Uncertain significance for Cardiovascular phenotype. Last evaluated: 2025-09-07. Review status: criteria provided, single submitter. Criteria: Ambry Variant Classification Scheme 2023. Collection method: clinical testing. Allele origin: germline.
Comment: The p.M854L variant (also known as c.2560A>T), located in coding exon 25 of the MYBPC3 gene, results from an A to T substitution at nucleotide position 2560. The methionine at codon 854 is replaced by leucine, an amino acid with highly similar properties. This amino acid position is highly conserved in available vertebrate species. In addition, this alteration is predicted to be tolerated by in silico analysis. Since supporting evidence is limited at this time, the clinical significance of this alteration remains unclear.

All of Us Research Program, National Institutes of Health
Classification: Uncertain significance for Hypertrophic cardiomyopathy. Last evaluated: 2024-01-03. Review status: criteria provided, single submitter. Criteria: ACMG Guidelines, 2015. Collection method: clinical testing. Allele origin: germline. Inheritance: Autosomal dominant inheritance. Observed: 3 variant alleles, 3 heterozygotes.
Comment: This missense variant replaces methionine with leucine at codon 854 of the MYBPC3 protein. Computational prediction suggests that this variant may not impact protein structure and function (internally defined REVEL score threshold <= 0.5, PMID: 27666373). Splice site prediction tools suggest that this variant may impact RNA splicing. To our knowledge, functional studies have not been performed for this variant. This variant has not been reported in individuals affected with cardiovascular disorders in the literature. This variant has been identified in 1/245296 chromosomes in the general population by the Genome Aggregation Database (gnomAD). The available evidence is insufficient to determine the role of this variant in disease conclusively. Therefore, this variant is classified as a Variant of Uncertain Significance.

This study involves interpretation of variants in research participants for the purpose of population health screening. Participant phenotype was not available at the time of variant classification. Additional details can be found in publication PMID: 35346344, PMCID: PMC8962531

Color Diagnostics, LLC DBA Color Health
Classification: Uncertain significance for Cardiomyopathy. Last evaluated: 2023-12-13. Review status: criteria provided, single submitter. Criteria: ACMG Guidelines, 2015. Collection method: clinical testing. Allele origin: germline.
Comment: This missense variant replaces methionine with leucine at codon 854 of the MYBPC3 protein. Computational prediction tool indicates that this variant may have a neutral impact on protein structure and function. To our knowledge, functional studies have not been reported for this variant. This variant has not been reported in individuals affected with MYBPC3-related disorders in the literature. This variant has been identified in 1/245296 chromosomes in the general population by the Genome Aggregation Database (gnomAD). The available evidence is insufficient to determine the role of this variant in disease conclusively. Therefore, this variant is classified as a Variant of Uncertain Significance.

Labcorp Genetics (formerly Invitae), Labcorp
Classification: Uncertain significance for Hypertrophic cardiomyopathy. Last evaluated: 2021-09-17. Review status: criteria provided, single submitter. Criteria: Invitae Variant Classification Sherloc (09022015). Collection method: clinical testing. Allele origin: germline.
Comment: This sequence change replaces methionine with leucine at codon 854 of the MYBPC3 protein (p.Met854Leu). The methionine residue is highly conserved and there is a small physicochemical difference between methionine and leucine. This variant is present in population databases (rs373171036, ExAC 0.002%). This variant has not been reported in the literature in individuals with MYBPC3-related conditions. Algorithms developed to predict the effect of missense changes on protein structure and function are either unavailable or do not agree on the potential impact of this missense change (SIFT: "Deleterious"; PolyPhen-2: "Benign"; Align-GVGD: "Class C0"). In summary, the available evidence is currently insufficient to determine the role of this variant in disease. Therefore, it has been classified as a Variant of Uncertain Significance.

NM_000256.3(MYBPC3):c.2560A>T (p.Met854Leu)

Gene: MYBPC3 (myosin binding protein C3; minus strand). Cytogenetic location: 11p11.2.
Variant type: single nucleotide variant.
Coding change: c.2560A>T on transcript NM_000256.3 (MANE Select); coding-DNA position 2560, A replaced by T.
Protein change: p.Met854Leu; replaces methionine 854 with leucine.
Molecular consequence: missense variant.
Genome position (GRCh38, 1-based): chr11:47,337,433, T>A on the plus strand (A>T on the coding strand, the complement: MYBPC3 is on the minus strand). VCF-style: chr11-47337433-T-A. GRCh37 (hg19) VCF-style: chr11-47358984-T-A.
Other names: short protein forms M854L.
Identifiers: ClinVar variation 928345 (VCV000928345.13), dbSNP rs373171036, ClinGen allele CA078815.